The following is an entry in ClinVar:

NM_001126108.2(SLC12A3):c.1258G>A (p.Ala420Thr)

Gene: SLC12A3 (solute carrier family 12 member 3; plus strand). Cytogenetic location: 16q13.
Variant type: single nucleotide variant.
Coding change: c.1258G>A on transcript NM_001126108.2 (MANE Select); coding-DNA position 1258, G replaced by A.
Protein change: p.Ala420Thr; replaces alanine 420 with threonine.
Molecular consequence: missense variant.
Genome position (GRCh38, 1-based): chr16:56,879,150, G>A. VCF-style: chr16-56879150-G-A. GRCh37 (hg19) VCF-style: chr16-56913062-G-A.
Other names: c.1258G>A (NM_000339.2); c.1258G>A, p.Ala420Thr (NM_000339.3); c.1255G>A, p.Ala419Thr (NM_001126107.2); short protein forms A419T, A420T.
Identifiers: ClinVar variation 1328532 (VCV001328532.12), dbSNP rs137970015, ClinGen allele CA8069408.
Genomic context (GRCh38, chr16:56,879,150, plus strand): 5'-GATGCCTCTGGGGTCCTGAATGACACAGTGACCCCTGGCTGGGGTGCCTGCGAGGGGCTG[G>A]CCTGCAGCTATGGCTGGAACTTCACCGAGTGCACCCAGCAGCACAGCTGCCACTACGGCC-3'
Protein context (NP_001119580.2, residues 410-430): TPGWGACEGL[Ala420Thr]CSYGWNFTEC

ClinVar aggregate classification (germline): Uncertain significance. Review status: criteria provided, multiple submitters, no conflicts (2 of 4 stars). 8 submissions from 8 submitters: Uncertain significance (8). Last evaluated 2025-11-09.

Conditions:
SLC12A3-related disorder. Also called: SLC12A3-related condition.
Familial hypokalemia-hypomagnesemia (GTLMNS). Also called: HYPOMAGNESEMIA-HYPOKALEMIA, PRIMARY RENOTUBULAR, WITH HYPOCALCIURIA; gitelman syndrome; POTASSIUM AND MAGNESIUM DEPLETION. Identifiers: Orphanet 358, MedGen C0268450, MONDO:0009904, OMIM 263800.

Allele frequency attached by ClinVar (database versions not stated): gnomAD exomes below 0.00001 and 0.00002; gnomAD 0.00001; ExAC 0.00003; TOPMed 0.00003; ESP Exome Variant Server 0.00008.
gnomAD v4.1: 38 of 1,613,636 alleles (0.0024%); highest among the groups gnomAD compares: East Asian, 0.016%; no homozygotes.

Submissions (8):

Labcorp Genetics (formerly Invitae), Labcorp
Classification: Uncertain significance. Last evaluated: 2025-11-09. Review status: criteria provided, single submitter. Criteria: Invitae Variant Classification Sherloc (09022015). Collection method: clinical testing. Allele origin: germline.
Comment: This sequence change replaces alanine, which is neutral and non-polar, with threonine, which is neutral and polar, at codon 420 of the SLC12A3 protein (p.Ala420Thr). The frequency data for this variant in the population databases is considered unreliable, as metrics indicate poor data quality at this position in the gnomAD database. This missense change has been observed in individual(s) with SCL12A3-related conditions (PMID: 23328711). ClinVar contains an entry for this variant (Variation ID: 1328532). Invitae Evidence Modeling of protein sequence and biophysical properties (such as structural, functional, and spatial information, amino acid conservation, physicochemical variation, residue mobility, and thermodynamic stability) indicates that this missense variant is expected to disrupt SLC12A3 protein function with a positive predictive value of 95%. In summary, the available evidence is currently insufficient to determine the role of this variant in disease. Therefore, it has been classified as a Variant of Uncertain Significance.

Blueprint Genetics
Classification: Uncertain significance. Last evaluated: 2024-08-21. Review status: criteria provided, single submitter. Criteria: ACMG Guidelines, 2015. Collection method: clinical testing. Allele origin: germline.

Fulgent Genetics
Classification: Uncertain significance for Familial hypokalemia-hypomagnesemia. Last evaluated: 2024-04-23. Review status: criteria provided, single submitter. Criteria: ACMG Guidelines, 2015. Collection method: clinical testing. Allele origin: germline.

Revvity Omics, Revvity
Classification: Uncertain significance for Familial hypokalemia-hypomagnesemia. Last evaluated: 2024-03-01. Review status: criteria provided, single submitter. Criteria: ACMG Guidelines, 2015. Collection method: clinical testing. Allele origin: germline.

PreventionGenetics, part of Exact Sciences
Classification: Uncertain significance for SLC12A3-related condition. Last evaluated: 2023-10-06. Review status: criteria provided, single submitter. Criteria: ACMG Guidelines, 2015. Collection method: clinical testing. Allele origin: germline.
Comment: The SLC12A3 c.1258G>A variant is predicted to result in the amino acid substitution p.Ala420Thr. This variant was reported along with a second SLC12A3 variant (c.2947G>A, p.Val983Ile) in an individual with Gitelman syndrome (Berry et al 2013. PubMed ID: 23328711). This variant is reported in 0.020% of alleles in individuals of East Asian descent in gnomAD. At this time, the clinical significance of this variant is uncertain due to the absence of conclusive functional and genetic evidence.

Women's Health and Genetics/Laboratory Corporation of America, LabCorp
Classification: Uncertain significance. Last evaluated: 2023-07-10. Review status: criteria provided, single submitter. Criteria: LabCorp Variant Classification Summary - May 2015. Collection method: clinical testing. Allele origin: germline.
Comment: Variant summary: SLC12A3 c.1258G>A (p.Ala420Thr) results in a non-conservative amino acid change located in the amino acid permease/SLC12 domain (IPR004841) of the encoded protein sequence. Three of five in-silico tools predict a benign effect of the variant on protein function. The variant allele was found at a frequency of 2e-05 in 250618 control chromosomes (gnomAD). The available data on variant occurrences in the general population are insufficient to allow any conclusion about variant significance. c.1258G>A has been reported in the literature in the compound heterozygous state (although phase was not tested/specified) in an individual affected with Hypokalemia-Hypomagnesemia (Gitelman syndrome) (Berry_2013). This report does not provide unequivocal conclusions about association of the variant with Familial Hypokalemia-Hypomagnesemia. To our knowledge, no experimental evidence demonstrating an impact on protein function has been reported. The following publication have been ascertained in the context of this evaluation (PMID: 23328711). Two submitters have cited clinical-significance assessments for this variant to ClinVar after 2014 and both classified the variant as uncertain significance. Based on the evidence outlined above, the variant was classified as uncertain significance.

Department of Pathology and Laboratory Medicine, Sinai Health System
Classification: Uncertain significance for Familial hypokalemia-hypomagnesemia. Last evaluated: 2022-11-11. Review status: criteria provided, single submitter. Criteria: ACMG Guidelines, 2015. Collection method: research. Allele origin: germline.

Illumina Laboratory Services, Illumina
Classification: Uncertain significance for Familial hypokalemia-hypomagnesemia. Last evaluated: 2021-06-29. Review status: criteria provided, single submitter. Criteria: ICSLVariantClassificationCriteria RUGD 01 April 2020. Collection method: clinical testing. Allele origin: unknown.
Comment: This variant is reported at a frequency of 0.000201 in the East Asian population of the Genome Aggregation Database (v2.1.1). In silico tools are not consistent in the predicted effect of this variant on protein function. Based on the limited evidence available, the p.Ala420Thr variant is classified as a variant of uncertain significance for Gitelman syndrome.

Literature cited by the submitters: PubMed 23328711 (cited by 3 submitters).